The following is an entry in ClinVar:

NM_031935.3(HMCN1):c.809A>G (p.Lys270Arg)

Gene: HMCN1 (hemicentin 1; plus strand). Cytogenetic location: 1q31.1.
Variant type: single nucleotide variant.
Coding change: c.809A>G on transcript NM_031935.3 (MANE Select); coding-DNA position 809, A replaced by G.
Protein change: p.Lys270Arg; replaces lysine 270 with arginine.
Molecular consequence: missense variant.
Genome position (GRCh38, 1-based): chr1:185,911,689, A>G. VCF-style: chr1-185911689-A-G. GRCh37 (hg19) VCF-style: chr1-185880821-A-G.
Other names: short protein forms K270R.
Identifiers: ClinVar variation 3647841 (VCV003647841.2).
Genomic context (GRCh38, chr1:185,911,689, plus strand): 5'-CTGAGAGAAGGATTGTGCTTGTTACCTTTATGTTCTGTCTTTCAGGGAAGCTGATAAAAA[A>G]GGGATTTGGCCTGCATGAGCTATTAAATATCCATAACTCTGCCAAAGTAGTGAATGTGAA-3'
Protein context (NP_114141.2, residues 260-280): IRNPLGKLIK[Lys270Arg]GFGLHELLNI

ClinVar aggregate classification (germline): Uncertain significance (1 of 4 stars; one submission).

Submission:

Labcorp Genetics (formerly Invitae), Labcorp
Classification: Uncertain significance. Last evaluated: 2024-03-27. Review status: criteria provided, single submitter. Criteria: Invitae Variant Classification Sherloc (09022015). Collection method: clinical testing. Allele origin: germline.
Comment: This sequence change replaces lysine, which is basic and polar, with arginine, which is basic and polar, at codon 270 of the HMCN1 protein (p.Lys270Arg). This variant is present in population databases (rs775714638, gnomAD 0.0009%). This variant has not been reported in the literature in individuals affected with HMCN1-related conditions. An algorithm developed to predict the effect of missense changes on protein structure and function (PolyPhen-2) suggests that this variant is likely to be disruptive. In summary, the available evidence is currently insufficient to determine the role of this variant in disease. Therefore, it has been classified as a Variant of Uncertain Significance.